The following is an entry in ClinVar:

NM_005324.5(H3-3B):c.20C>T (p.Thr7Ile)

Gene: H3-3B (H3.3 histone B; minus strand). Cytogenetic location: 17q25.1.
Variant type: single nucleotide variant.
Coding change: c.20C>T on transcript NM_005324.5 (MANE Select); coding-DNA position 20, C replaced by T.
Protein change: p.Thr7Ile; replaces threonine 7 with isoleucine.
Molecular consequence: missense variant.
Genome position (GRCh38, 1-based): chr17:75,779,155, G>A on the plus strand (C>T on the coding strand, the complement: H3-3B is on the minus strand). VCF-style: chr17-75779155-G-A. GRCh37 (hg19) VCF-style: chr17-73775236-G-A.
Other names: short protein forms T7I.
Identifiers: ClinVar variation 4888007 (VCV004888007.1).

ClinVar aggregate classification (germline): Pathogenic (1 of 4 stars; one submission).

Conditions:
Bryant-Li-Bhoj neurodevelopmental syndrome 2 (BRYLIB2). Also called: H3-3B syndrome. Identifiers: MedGen C5676906, MONDO:0030607, OMIM 619721. Disease mechanism: loss of function.

Submission:

Centrogen, Centro de Genomica y Genetica Clinica Guatemala
Classification: Pathogenic for Bryant-Li-Bhoj neurodevelopmental syndrome 2. Last evaluated: 2024-01-15. Review status: criteria provided, single submitter. Criteria: CENTROGEN Variant Classification V1 Aug 2026. Collection method: provider interpretation. Allele origin: de novo. Affected: yes. Observed: 1 variant allele, 1 heterozygote. Segregation with disease not observed.
Comment: NM_005324.4:c.20C>T is a missense change in the N-terminal tail of histone H3.3. Centrogen's criteria cap PS3 at moderate strength unless the assay meets the statistical calibration of Brnich (2019). It is absent from gnomAD; Centrogen fixes PM2 at supporting strength following the ClinGen SVI recommendation. The proband's phenotype is consistent with Bryant-Li-Bhoj neurodevelopmental syndrome 2 (PP4, supporting); the observed features are provided as HPO terms in the case-level data of this submission. The referring laboratory classified this variant as "of uncertain significance". Centrogen reinterpreted it on the basis of the de novo occurrence, the functional evidence and the phenotypic concordance. Classification follows the ACMG/AMP point scale of Tavtigian (2020) with ClinGen SVI specifications, as described in Centrogen's assertion criteria document, where 10 points or more corresponds to pathogenic. Evidence applied: PS2 (+4), PS3 (+4), PM2 (+1), PP4 (+1). Total 10 points. Classified as pathogenic. Note: This variant was found in clinical genetic testing performed by one or more labs who may also submit to ClinVar. Therefore, any internal case data may overlap with the internal case data of other submitters. The classification and rationale are that of Centrogen, Centro de Genomica y Genetica Clinica Guatemala.